The following is an entry in ClinVar:

NM_014176.4(UBE2T):c.205C>T (p.Arg69Ter)

Gene: UBE2T (ubiquitin conjugating enzyme E2 T; minus strand). Cytogenetic location: 1q32.1.
Variant type: single nucleotide variant.
Coding change: c.205C>T on transcript NM_014176.4 (MANE Select); coding-DNA position 205, C replaced by T.
Protein change: p.Arg69Ter; replaces arginine 69 with a stop codon.
Molecular consequence: nonsense.
Genome position (GRCh38, 1-based): chr1:202,333,530, G>A on the plus strand (C>T on the coding strand, the complement: UBE2T is on the minus strand). VCF-style: chr1-202333530-G-A. GRCh37 (hg19) VCF-style: chr1-202302658-G-A.
Other names: c.115C>T, p.Arg39Ter (NM_001310326.2); short protein forms R69*, R39*.
Identifiers: ClinVar variation 3700682 (VCV003700682.2).

ClinVar aggregate classification (germline): Pathogenic (1 of 4 stars; one submission).

Submission:

Labcorp Genetics (formerly Invitae), Labcorp
Classification: Pathogenic. Last evaluated: 2026-01-25. Review status: criteria provided, single submitter. Criteria: Invitae Variant Classification Sherloc (09022015). Collection method: clinical testing. Allele origin: germline.
Comment: This sequence change creates a premature translational stop signal (p.Arg69*) in the UBE2T gene. It is expected to result in an absent or disrupted protein product. Loss-of-function variants in UBE2T are known to be pathogenic (PMID: 26046368, 26119737). This variant is present in population databases (rs149154798, gnomAD 0.02%). This variant has not been reported in the literature in individuals affected with UBE2T-related conditions. ClinVar contains an entry for this variant (Variation ID: 3700682). For these reasons, this variant has been classified as Pathogenic.

Literature cited by the submitters: PubMed 26046368; PubMed 26119737.